The following is an entry in ClinVar:

NM_001031710.3(KLHL7):c.275C>T (p.Pro92Leu)

Gene: KLHL7 (kelch like family member 7; plus strand). Cytogenetic location: 7p15.3.
Variant type: single nucleotide variant.
Coding change: c.275C>T on transcript NM_001031710.3 (MANE Select); coding-DNA position 275, C replaced by T.
Protein change: p.Pro92Leu; replaces proline 92 with leucine.
Molecular consequence: missense variant. On other transcripts: non-coding transcript variant (2).
Genome position (GRCh38, 1-based): chr7:23,124,739, C>T. VCF-style: chr7-23124739-C-T. GRCh37 (hg19) VCF-style: chr7-23164358-C-T.
Other names: c.275C>T, p.Pro92Leu (NM_001172428.2); c.131C>T, p.Pro44Leu (NM_018846.5); short protein forms P92L, P44L.
Identifiers: ClinVar variation 2860522 (VCV002860522.3), dbSNP rs2534809922, ClinGen allele CA366975389.
Genomic context (GRCh38, chr7:23,124,739, plus strand): 5'-TCATTGTAGCTAACATGCTTGAATCAAAGTCCTTTGAAGTAGAACTCAAAGATGCTGAAC[C>T]TGATATTATTGAACAACTGGTGGAATTTGCTTATACTGCTAGGTGAGTTAAGTATTATTT-3'
Protein context (NP_001026880.2, residues 82-102): SFEVELKDAE[Pro92Leu]DIIEQLVEFA

ClinVar aggregate classification (germline): Uncertain significance (1 of 4 stars; one submission).

Submission:

Labcorp Genetics (formerly Invitae), Labcorp
Classification: Uncertain significance. Last evaluated: 2023-04-29. Review status: criteria provided, single submitter. Criteria: Invitae Variant Classification Sherloc (09022015). Collection method: clinical testing. Allele origin: germline.
Comment: In summary, the available evidence is currently insufficient to determine the role of this variant in disease. Therefore, it has been classified as a Variant of Uncertain Significance. An algorithm developed to predict the effect of missense changes on protein structure and function (PolyPhen-2) suggests that this variant is likely to be tolerated. This variant has not been reported in the literature in individuals affected with KLHL7-related conditions. This variant is not present in population databases (gnomAD no frequency). This sequence change replaces proline, which is neutral and non-polar, with leucine, which is neutral and non-polar, at codon 92 of the KLHL7 protein (p.Pro92Leu).